The following is an entry in ClinVar:

NM_006734.4(HIVEP2):c.307C>T (p.His103Tyr)

Gene: HIVEP2 (HIVEP zinc finger 2; minus strand). Cytogenetic location: 6q24.2.
Variant type: single nucleotide variant.
Coding change: c.307C>T on transcript NM_006734.4 (MANE Select); coding-DNA position 307, C replaced by T.
Protein change: p.His103Tyr; replaces histidine 103 with tyrosine.
Molecular consequence: missense variant.
Genome position (GRCh38, 1-based): chr6:142,774,432, G>A on the plus strand (C>T on the coding strand, the complement: HIVEP2 is on the minus strand). VCF-style: chr6-142774432-G-A. GRCh37 (hg19) VCF-style: chr6-143095569-G-A.
Other names: short protein forms H103Y.
Identifiers: ClinVar variation 2431579 (VCV002431579.1), dbSNP rs2482857581, ClinGen allele CA365916345.

ClinVar aggregate classification (germline): Uncertain significance (1 of 4 stars; one submission).

Conditions:
Intellectual developmental disorder, autosomal dominant 43. Also called: Intellectual disability, autosomal dominant 43. Identifiers: MedGen C4707429, MONDO:0014858, OMIM 616977.

Allele frequency attached by ClinVar (database versions not stated): gnomAD exomes below 0.00001.
gnomAD v4.1: 2 of 1,614,192 alleles (0.00012%); highest among the groups gnomAD compares: Non-Finnish European, 0.00017%; no homozygotes.

Submission:

Laboratorio de Genetica e Diagnostico Molecular, Hospital Israelita Albert Einstein
Classification: Uncertain significance for Intellectual developmental disorder, autosomal dominant 43. Last evaluated: 2022-05-16. Review status: criteria provided, single submitter. Criteria: ACMG Guidelines, 2015. Collection method: clinical testing. Allele origin: germline. Affected: yes. Observed: 1 variant allele.
Comment: ACMG classification criteria: PM2 moderated, BP4 supporting